The following is an entry in ClinVar:

ClinVar aggregate classification (germline): Uncertain significance. Review status: criteria provided, multiple submitters, no conflicts (2 of 4 stars). 2 submissions from 2 submitters: Uncertain significance (2). Last evaluated 2019-05-24.

Conditions:
Cardiovascular phenotype. Identifiers: MedGen CN230736.

gnomAD v4.1: 19 of 1,614,028 alleles (0.0012%); highest among the groups gnomAD compares: Non-Finnish European, 0.0014%; no homozygotes.

Submissions (2):

Revvity Omics, Revvity
Classification: Uncertain significance. Last evaluated: 2019-05-24. Review status: criteria provided, single submitter. Criteria: ACMG Guidelines, 2015. Collection method: clinical testing. Allele origin: germline.

Ambry Genetics
Classification: Uncertain significance for Cardiovascular phenotype. Last evaluated: 2018-10-24. Review status: criteria provided, single submitter. Criteria: Ambry Variant Classification Scheme 2023. Collection method: clinical testing. Allele origin: germline.
Comment: The p.T455R variant (also known as c.1364C>G), located in coding exon 7 of the TTN gene, results from a C to G substitution at nucleotide position 1364. The threonine at codon 455 is replaced by arginine, an amino acid with similar properties. This amino acid position is not well conserved in available vertebrate species, and arginine is the reference amino acid in other vertebrate species. In addition, this alteration is predicted to be tolerated by in silico analysis. Since supporting evidence is limited at this time, the clinical significance of this alteration remains unclear.

NM_001267550.2(TTN):c.1364C>G (p.Thr455Arg)

Gene: TTN (titin; minus strand). Cytogenetic location: 2q31.2.
Variant type: single nucleotide variant.
Coding change: c.1364C>G on transcript NM_001267550.2 (MANE Select); coding-DNA position 1364, C replaced by G.
Protein change: p.Thr455Arg; replaces threonine 455 with arginine.
Molecular consequence: missense variant.
Genome position (GRCh38, 1-based): chr2:178,794,433, G>C on the plus strand (C>G on the coding strand, the complement: TTN is on the minus strand). VCF-style: chr2-178794433-G-C. GRCh37 (hg19) VCF-style: chr2-179659160-G-C.
Other names: c.1364C>G, p.Thr455Arg (NM_001256850.1, NM_003319.4, NM_133378.4 and 3 more transcripts); short protein forms T455R.
Identifiers: ClinVar variation 1770898 (VCV001770898.5), dbSNP rs368121196, ClinGen allele CA2006077.